The following is an entry in ClinVar:

ClinVar aggregate classification (germline): Likely pathogenic (1 of 4 stars; one submission).

Conditions:
Intellectual disability, X-linked 102 (MRXSSB). Also called: Intellectual developmental disorder, X-linked syndromic, Snijders Blok type. Identifiers: Orphanet 457260, MedGen C5393299, MONDO:0010497, OMIM 300958.

Submission:

Illumina Laboratory Services, Illumina
Classification: Likely pathogenic for Intellectual disability, X-linked 102. Last evaluated: 2018-06-21. Review status: criteria provided, single submitter. Criteria: ICSLVariantClassificationCriteria RUGD 01 April 2020. Collection method: clinical testing. Allele origin: unknown.
Comment: The DDX3X c.1292T>G p.(Leu431Arg) missense variant has not, to our knowledge, been reported in the peer-reviewed literature. This variant is not observed in version 2.1.1 of the Genome Aggregation Database. Based on the available evidence, the c.1292T>G p.(Leu431Arg) variant is classified as likely pathogenic for intellectual developmental disorder, X-linked syndromic, Snijders Blok type.

NM_001356.5(DDX3X):c.1292T>G (p.Leu431Arg)

Gene: DDX3X (DEAD-box helicase 3 X-linked; plus strand). Cytogenetic location: Xp11.4.
Variant type: single nucleotide variant.
Coding change: c.1292T>G on transcript NM_001356.5 (MANE Select); coding-DNA position 1292, T replaced by G.
Protein change: p.Leu431Arg; replaces leucine 431 with arginine.
Molecular consequence: missense variant. On other transcripts: non-coding transcript variant (1).
Genome position (GRCh38, 1-based): chrX:41,345,525, T>G. VCF-style: chrX-41345525-T-G. GRCh37 (hg19) VCF-style: chrX-41204778-T-G.
Other names: c.1292T>G, p.Leu431Arg (NM_001193416.3); c.1244T>G, p.Leu415Arg (NM_001193417.3); c.734T>G, p.Leu245Arg (NM_001363819.1); short protein forms L245R, L415R, L431R.
Identifiers: ClinVar variation 3062159 (VCV003062159.1), dbSNP rs2519519644, ClinGen allele CA412773630.